The following is an entry in ClinVar:

ClinVar aggregate classification (germline): Conflicting classifications of pathogenicity. Review status: criteria provided, conflicting classifications (1 of 4 stars). 2 submissions from 2 submitters: Likely pathogenic (1); Uncertain significance (1). Last evaluated 2024-07-03.

Conditions:
Retinal disorder. Also called: Retinopathy; Retinopathies; Retinal Diseases; Retinal disorders. Identifiers: MedGen C0035309, MONDO:0005283, HP:0000488.

Submissions (2):

North West Genomic Laboratory Hub, Manchester University NHS Foundation Trust
Classification: Likely pathogenic for Retinal disorders. Last evaluated: 2024-07-03. Review status: criteria provided, single submitter. Criteria: ACGS Best Practice Guidelines for Variant Classification in Rare Disease 2020. Collection method: clinical testing. Allele origin: germline. Affected: yes.
Comment: PM4_Mod PP1_Mod PM2_Mod

Blueprint Genetics
Classification: Uncertain significance. Last evaluated: 2019-09-30. Review status: criteria provided, single submitter. Criteria: ACMG Guidelines, 2015. Collection method: clinical testing. Allele origin: germline.

NM_001378477.3(NYX):c.324_338dup (p.Ala113_His114insGluLeuArgLeuAla)

Gene: NYX (nyctalopin; plus strand). Cytogenetic location: Xp11.4.
Variant type: Duplication.
Coding change: c.324_338dup on transcript NM_001378477.3 (MANE Select); coding-DNA positions 324 to 338, 15 bases duplicated (TGAGCTGCGCCTGGC).
Protein change: p.Ala113_His114insGluLeuArgLeuAla.
Genome position (GRCh38, 1-based): chrX:41,473,792-41,473,806, TGAGCTGCGCCTGGC duplicated; duplicating any 15 consecutive bases within chrX:41,473,783-41,473,806 gives the same sequence; the c. name uses the placement nearest the transcript's 3' end. VCF-style (leftmost placement, unchanged base first): chrX-41473782-C-CGCGCCTGGCTGAGCT. GRCh37 (hg19) VCF-style: chrX-41333035-C-CGCGCCTGGCTGAGCT.
Other names: c.324_338dup, p.Ala113_His114insGluLeuArgLeuAla (NM_022567.3).
Identifiers: ClinVar variation 4850986 (VCV004850986.2).